The following is an entry in ClinVar:

NM_001331036.3(ELF2):c.1395A>G (p.Thr465=)

Gene: ELF2 (E74 like ETS transcription factor 2; minus strand). Cytogenetic location: 4q31.1.
Variant type: single nucleotide variant.
Coding change: c.1395A>G on transcript NM_001331036.3 (MANE Select); coding-DNA position 1395, A replaced by G.
Protein change: p.Thr465=; no amino-acid change (threonine 465 retained).
Molecular consequence: synonymous variant.
Genome position (GRCh38, 1-based): chr4:139,059,370, T>C on the plus strand (A>G on the coding strand, the complement: ELF2 is on the minus strand). VCF-style: chr4-139059370-T-C. GRCh37 (hg19) VCF-style: chr4-139980524-T-C.
Other names: c.1128A>G, p.Thr376= (NM_001276457.2); c.1179A>G, p.Thr393= (NM_001276458.3); c.1092A>G, p.Thr364= (NM_001276459.3); c.1359A>G, p.Thr453= (NM_001371324.1, NM_201999.3); c.1308A>G, p.Thr436= (NM_001371336.1); c.1047A>G, p.Thr349= (NM_001371337.1); c.996A>G, p.Thr332= (NM_001371338.1); c.960A>G, p.Thr320= (NM_001371339.1); and 1 more.
Identifiers: ClinVar variation 2655098 (VCV002655098.24), dbSNP rs2530755747, ClinGen allele CA441705925.

ClinVar aggregate classification (germline): Likely benign (1 of 4 stars; one submission).

Submission:

CeGaT Center for Human Genetics Tuebingen
Classification: Likely benign. Last evaluated: 2023-01-01. Review status: criteria provided, single submitter. Criteria: CeGaT Center For Human Genetics Tuebingen Variant Classification Criteria Version 2. Collection method: clinical testing. Allele origin: germline. Affected: yes. Observed: 1 variant allele.
Comment: ELF2: PM2:Supporting, BP4, BP7